The following is an entry in ClinVar:

NM_001011547.3(SLC5A9):c.545T>C (p.Leu182Ser)

Gene: SLC5A9 (solute carrier family 5 member 9; plus strand). Cytogenetic location: 1p33.
Variant type: single nucleotide variant.
Coding change: c.545T>C on transcript NM_001011547.3 (MANE Select); coding-DNA position 545, T replaced by C.
Protein change: p.Leu182Ser; replaces leucine 182 with serine.
Molecular consequence: missense variant.
Genome position (GRCh38, 1-based): chr1:48,230,640, T>C. VCF-style: chr1-48230640-T-C. GRCh37 (hg19) VCF-style: chr1-48696312-T-C.
Other names: c.620T>C, p.Leu207Ser (NM_001135181.2); short protein forms L182S, L207S.
Identifiers: ClinVar variation 3053604 (VCV003053604.2), dbSNP rs57262835, ClinGen allele CA843589.
Genomic context (GRCh38, chr1:48,230,640, plus strand): 5'-TGGGTCCTGGCTCTCTGCAGACTGACATCTTCTCTGGAGCCCTCTTCATCCAGATGGCAT[T>C]GGGCTGGAACCTGTACCTCTCCACAGGGATCCTGCTGGTGGTGACTGCCGTCTACACCAT-3'
Protein context (NP_001011547.2, residues 172-192): FSGALFIQMA[Leu182Ser]GWNLYLSTGI

ClinVar aggregate classification (germline): Benign (0 of 4 stars; one submission).

Conditions:
SLC5A9-related disorder. Also called: SLC5A9-related condition.

Allele frequency attached by ClinVar (database versions not stated): gnomAD exomes 0.00089; ExAC 0.00297; 1000 Genomes Project 0.00938; gnomAD 0.00970; 1000 Genomes Project 30x 0.01015; TOPMed 0.01116; ESP Exome Variant Server 0.01153.
gnomAD v4.1: 2,852 of 1,614,066 alleles (0.18%); highest among the groups gnomAD compares: African/African-American, 3.3%; 40 homozygotes.

Submission:

PreventionGenetics, part of Exact Sciences
Classification: Benign for SLC5A9-related condition. Last evaluated: 2019-10-14. Review status: no assertion criteria provided. Collection method: clinical testing. Allele origin: germline.
Comment: This variant is classified as benign based on ACMG/AMP sequence variant interpretation guidelines (Richards et al. 2015 PMID: 25741868, with internal and published modifications).